The following is an entry in ClinVar:

ClinVar aggregate classification (germline): Pathogenic. Review status: criteria provided, multiple submitters, no conflicts (2 of 4 stars). 5 submissions from 5 submitters: Pathogenic (4). 1 of the submissions does not count toward it. Last evaluated 2024-04-12.

Conditions:
Charcot-Marie-Tooth disease axonal type 2V. Also called: CHARCOT-MARIE-TOOTH NEUROPATHY, TYPE 2V; CHARCOT-MARIE-TOOTH DISEASE, AXONAL, AUTOSOMAL DOMINANT, TYPE 2V. Identifiers: Orphanet 447964, MedGen C5569050, MONDO:0014665, OMIM 616491.
Mucopolysaccharidosis, MPS-III-B (MPS3B). Also called: Mucopolysaccharidosis type IIIB (Sanfilippo B); N-ACETYL-ALPHA-D-GLUCOSAMINIDASE DEFICIENCY; NAGLU DEFICIENCY; SANFILIPPO SYNDROME B; MPS III B; MPS IIIB (Sanfilippo Syndrome Type B). Identifiers: Orphanet 79270, MedGen C0086648, MONDO:0009656, OMIM 252920.

Allele frequency attached by ClinVar (database versions not stated): TOPMed 0.00001.

Submissions (5):

Fulgent Genetics
Classification: Pathogenic for Mucopolysaccharidosis, MPS-III-B; Charcot-Marie-Tooth disease axonal type 2V. Last evaluated: 2024-04-12. Review status: criteria provided, single submitter. Criteria: ACMG Guidelines, 2015. Collection method: clinical testing. Allele origin: germline.

Labcorp Genetics (formerly Invitae), Labcorp
Classification: Pathogenic for Charcot-Marie-Tooth disease axonal type 2V; Mucopolysaccharidosis, MPS-III-B. Last evaluated: 2022-11-01. Review status: criteria provided, single submitter. Criteria: Invitae Variant Classification Sherloc (09022015). Collection method: clinical testing. Allele origin: germline.
Comment: For these reasons, this variant has been classified as Pathogenic. ClinVar contains an entry for this variant (Variation ID: 92695). This premature translational stop signal has been observed in individual(s) with mucopolysaccharidosis type III (PMID: 11286389, 18218046). This variant is not present in population databases (gnomAD no frequency). This sequence change creates a premature translational stop signal (p.Trp168*) in the NAGLU gene. It is expected to result in an absent or disrupted protein product. Loss-of-function variants in NAGLU are known to be pathogenic (PMID: 9832037, 10094189, 16151907).

Women's Health and Genetics/Laboratory Corporation of America, LabCorp
Classification: Pathogenic for Mucopolysaccharidosis, MPS-III-B. Last evaluated: 2022-03-26. Review status: criteria provided, single submitter. Criteria: LabCorp Variant Classification Summary - May 2015. Collection method: clinical testing. Allele origin: germline.
Comment: Variant summary: NAGLU c.503G>A (p.Trp168X) results in a premature termination codon, predicted to cause a truncation of the encoded protein or absence of the protein due to nonsense mediated decay, which are commonly known mechanisms for disease. Truncations downstream of this position have been classified as pathogenic by our laboratory. The variant was absent in 251134 control chromosomes. c.503G>A has been reported in the literature in individuals affected with Mucopolysaccharidosis Type IIIB (Sanfilippo Syndrome B) (example, Coll_2001, Mangas_2008). These data indicate that the variant is likely to be associated with disease. To our knowledge, no experimental evidence demonstrating an impact on protein function has been reported. One clinical diagnostic laboratory has submitted clinical-significance assessments for this variant to ClinVar after 2014 without evidence for independent evaluation and classified the variant as pathogenic. Based on the evidence outlined above, the variant was classified as pathogenic.

Eurofins Ntd Llc (ga)
Classification: Pathogenic. Last evaluated: 2012-08-09. Review status: criteria provided, single submitter. Criteria: EGL Classification Definitions 2015. Collection method: clinical testing. Allele origin: germline. Observed: 2 variant alleles, 2 heterozygotes.

Counsyl
Classification: Pathogenic for Mucopolysaccharidosis, MPS-III-B. Last evaluated: 2017-12-29. Review status: no assertion criteria provided. Collection method: clinical testing. Allele origin: unknown. Not counted in ClinVar's aggregate classification.

Literature cited by the submitters: PubMed 11286389 (cited by 3 submitters); PubMed 18218046 (cited by Labcorp Genetics (formerly Invitae), Labcorp and Women's Health and Genetics/Laboratory Corporation of America, LabCorp); PubMed 9832037 (cited by Labcorp Genetics (formerly Invitae), Labcorp); PubMed 10094189 (cited by Labcorp Genetics (formerly Invitae), Labcorp); PubMed 16151907 (cited by Labcorp Genetics (formerly Invitae), Labcorp).

NM_000263.4(NAGLU):c.503G>A (p.Trp168Ter)

Gene: NAGLU (N-acetyl-alpha-glucosaminidase; plus strand). Cytogenetic location: 17q21.2.
Variant type: single nucleotide variant.
Coding change: c.503G>A on transcript NM_000263.4 (MANE Select); coding-DNA position 503, G replaced by A.
Protein change: p.Trp168Ter; replaces tryptophan 168 with a stop codon.
Molecular consequence: nonsense.
Genome position (GRCh38, 1-based): chr17:42,537,517, G>A. VCF-style: chr17-42537517-G-A. GRCh37 (hg19) VCF-style: chr17-40689535-G-A.
Other names: short protein forms W168*.
Identifiers: ClinVar variation 92695 (VCV000092695.13), dbSNP rs398123281, ClinGen allele CA220553.
Genomic context (GRCh38, chr17:42,537,517, plus strand): 5'-CCCGCTGGGAGCGAGAGATAGACTGGATGGCGCTGAATGGCATCAACCTGGCACTGGCCT[G>A]GAGCGGCCAGGAGGCCATCTGGCAGCGGGTGCGTGCCCACTGTCCCTTCCCCACCCTCCT-3'